The following is an entry in ClinVar:

ClinVar aggregate classification (germline): Likely benign (0 of 4 stars; one submission).

Conditions:
DNAH10-related disorder. Also called: DNAH10-related condition.

Allele frequency attached by ClinVar (database versions not stated): gnomAD exomes 0.00001.
gnomAD v4.1: 9 of 1,613,468 alleles (0.00056%); highest among the groups gnomAD compares: African/African-American, 0.0013%; no homozygotes.

Submission:

PreventionGenetics, part of Exact Sciences
Classification: Likely benign for DNAH10-related condition. Last evaluated: 2019-03-14. Review status: no assertion criteria provided. Collection method: clinical testing. Allele origin: germline.
Comment: This variant is classified as likely benign based on ACMG/AMP sequence variant interpretation guidelines (Richards et al. 2015 PMID: 25741868, with internal and published modifications).

NM_001372106.1(DNAH10):c.10116C>T (p.Ile3372=)

Gene: DNAH10 (dynein axonemal heavy chain 10; plus strand). Cytogenetic location: 12q24.31.
Variant type: single nucleotide variant.
Coding change: c.10116C>T on transcript NM_001372106.1 (MANE Select); coding-DNA position 10116, C replaced by T.
Protein change: p.Ile3372=; no amino-acid change (isoleucine 3372 retained).
Molecular consequence: synonymous variant.
Genome position (GRCh38, 1-based): chr12:123,910,654, C>T. VCF-style: chr12-123910654-C-T. GRCh37 (hg19) VCF-style: chr12-124395201-C-T.
Other names: c.9762C>T, p.Ile3254= (NM_001083900.1, NM_207437.3).
Identifiers: ClinVar variation 3057516 (VCV003057516.2), dbSNP rs753559857, ClinGen allele CA245187884.